The following is an entry in ClinVar:

NM_000124.4(ERCC6):c.2884C>T (p.Leu962Phe)

Genes: ERCC6 (ERCC excision repair 6, chromatin remodeling factor; minus strand), LOC126860933 (BRD4-independent group 4 enhancer GRCh37_chr10:50679962-50681161; plus strand). Cytogenetic location: 10q11.23.
Variant type: single nucleotide variant.
Coding change: c.2884C>T on transcript NM_000124.4 (MANE Select); coding-DNA position 2884, C replaced by T.
Protein change: p.Leu962Phe; replaces leucine 962 with phenylalanine.
Molecular consequence: missense variant.
Genome position (GRCh38, 1-based): chr10:49,472,416, G>A on the plus strand (C>T on the coding strand, the complement: ERCC6 is on the minus strand). VCF-style: chr10-49472416-G-A. GRCh37 (hg19) VCF-style: chr10-50680462-G-A.
Other names: c.2884C>T, p.Leu962Phe (NM_001346440.2); short protein forms L962F.
Identifiers: ClinVar variation 1983319 (VCV001983319.1), dbSNP rs2495978255, ClinGen allele CA376718486.

ClinVar aggregate classification (germline): Uncertain significance (1 of 4 stars; one submission).

Submission:

Labcorp Genetics (formerly Invitae), Labcorp
Classification: Uncertain significance. Last evaluated: 2022-10-17. Review status: criteria provided, single submitter. Criteria: Invitae Variant Classification Sherloc (09022015). Collection method: clinical testing. Allele origin: germline.
Comment: This sequence change replaces leucine, which is neutral and non-polar, with phenylalanine, which is neutral and non-polar, at codon 962 of the ERCC6 protein (p.Leu962Phe). This variant is not present in population databases (gnomAD no frequency). This variant has not been reported in the literature in individuals affected with ERCC6-related conditions. Advanced modeling of protein sequence and biophysical properties (such as structural, functional, and spatial information, amino acid conservation, physicochemical variation, residue mobility, and thermodynamic stability) has been performed at Invitae for this missense variant, however the output from this modeling did not meet the statistical confidence thresholds required to predict the impact of this variant on ERCC6 protein function. In summary, the available evidence is currently insufficient to determine the role of this variant in disease. Therefore, it has been classified as a Variant of Uncertain Significance.